The following is an entry in ClinVar:

NM_014361.4(CNTN5):c.2556C>T (p.Gly852=)

Gene: CNTN5 (contactin 5; plus strand). Cytogenetic location: 11q22.1.
Variant type: single nucleotide variant.
Coding change: c.2556C>T on transcript NM_014361.4 (MANE Select); coding-DNA position 2556, C replaced by T.
Protein change: p.Gly852=; no amino-acid change (glycine 852 retained).
Molecular consequence: synonymous variant.
Genome position (GRCh38, 1-based): chr11:100,299,332, C>T. VCF-style: chr11-100299332-C-T. GRCh37 (hg19) VCF-style: chr11-100170064-C-T.
Other names: c.2556C>T, p.Gly852= (NM_001243270.2, NM_001243271.2); c.2334C>T, p.Gly778= (NM_175566.2).
Identifiers: ClinVar variation 3057397 (VCV003057397.2), dbSNP rs201009824, ClinGen allele CA6242760.

ClinVar aggregate classification (germline): Likely benign (0 of 4 stars; one submission).

Conditions:
CNTN5-related disorder. Also called: CNTN5-related condition.

Allele frequency attached by ClinVar (database versions not stated): gnomAD 0.00001; ExAC 0.00002.
gnomAD v4.1: 20 of 1,610,234 alleles (0.0012%); highest among the groups gnomAD compares: Admixed American, 0.01%; no homozygotes.

Submission:

PreventionGenetics, part of Exact Sciences
Classification: Likely benign for CNTN5-related condition. Last evaluated: 2019-03-26. Review status: no assertion criteria provided. Collection method: clinical testing. Allele origin: germline.
Comment: This variant is classified as likely benign based on ACMG/AMP sequence variant interpretation guidelines (Richards et al. 2015 PMID: 25741868, with internal and published modifications).